The following is an entry in ClinVar:

NM_004995.4(MMP14):c.1438G>A (p.Gly480Arg)

Gene: MMP14 (matrix metallopeptidase 14; plus strand). Cytogenetic location: 14q11.2.
Variant type: single nucleotide variant.
Coding change: c.1438G>A on transcript NM_004995.4 (MANE Select); coding-DNA position 1438, G replaced by A.
Protein change: p.Gly480Arg; replaces glycine 480 with arginine.
Molecular consequence: missense variant.
Genome position (GRCh38, 1-based): chr14:22,845,728, G>A. VCF-style: chr14-22845728-G-A. GRCh37 (hg19) VCF-style: chr14-23314937-G-A.
Other names: c.1438G>A (NM_004995.2); short protein forms G480R.
Identifiers: ClinVar variation 2985681 (VCV002985681.4), dbSNP rs778451954, ClinGen allele CA7105485.
Genomic context (GRCh38, chr14:22,845,728, plus strand): 5'-GTCTTCCCTTCCTTACCACCTTCTGATTCACTCCCTGCAGTCTTCACTTACTTCTACAAG[G>A]GGAACAAATACTGGAAATTCAACAACCAGAAGCTGAAGGTAGAACCGGGCTACCCCAAGT-3'
Protein context (NP_004986.1, residues 470-490): SDEVFTYFYK[Gly480Arg]NKYWKFNNQK

ClinVar aggregate classification (germline): Uncertain significance. Review status: criteria provided, multiple submitters, no conflicts (2 of 4 stars). 2 submissions from 2 submitters: Uncertain significance (2). Last evaluated 2025-04-26.

Conditions:
Inborn genetic diseases. Identifiers: MedGen C0950123, MeSH D030342.

Allele frequency attached by ClinVar (database versions not stated): gnomAD exomes below 0.00001; gnomAD 0.00001; ExAC 0.00001.
gnomAD v4.1: 5 of 1,613,862 alleles (0.00031%); highest among the groups gnomAD compares: Non-Finnish European, 0.00025%; no homozygotes.

Submissions (2):

Labcorp Genetics (formerly Invitae), Labcorp
Classification: Uncertain significance. Last evaluated: 2025-04-26. Review status: criteria provided, single submitter. Criteria: Invitae Variant Classification Sherloc (09022015). Collection method: clinical testing. Allele origin: germline.
Comment: This sequence change replaces glycine, which is neutral and non-polar, with arginine, which is basic and polar, at codon 480 of the MMP14 protein (p.Gly480Arg). This variant is present in population databases (rs778451954, gnomAD 0.002%). This variant has not been reported in the literature in individuals affected with MMP14-related conditions. ClinVar contains an entry for this variant (Variation ID: 2985681). Invitae Evidence Modeling of protein sequence and biophysical properties (such as structural, functional, and spatial information, amino acid conservation, physicochemical variation, residue mobility, and thermodynamic stability) indicates that this missense variant is not expected to disrupt MMP14 protein function with a negative predictive value of 80%. In summary, the available evidence is currently insufficient to determine the role of this variant in disease. Therefore, it has been classified as a Variant of Uncertain Significance.

Ambry Genetics
Classification: Uncertain significance for Inborn genetic diseases. Last evaluated: 2025-01-18. Review status: criteria provided, single submitter. Criteria: Ambry Variant Classification Scheme 2023. Collection method: clinical testing. Allele origin: germline.